The following is an entry in ClinVar:

ClinVar aggregate classification (germline): Pathogenic (1 of 4 stars; one submission).

Conditions:
Charcot-Marie-Tooth disease type 2. Also called: Charcot-Marie-Tooth type 2. Identifiers: Orphanet 64746, MedGen C0270914, MONDO:0018993.

Submission:

Labcorp Genetics (formerly Invitae), Labcorp
Classification: Pathogenic for Charcot-Marie-Tooth disease type 2. Last evaluated: 2019-12-23. Review status: criteria provided, single submitter. Criteria: Invitae Variant Classification Sherloc (09022015). Collection method: clinical testing. Allele origin: germline.
Comment: This sequence change creates a premature translational stop signal (p.Arg527Leufs*19) in the LMNA gene. It is expected to result in an absent or disrupted protein product. For these reasons, this variant has been classified as Pathogenic. Loss-of-function variants in LMNA are known to be pathogenic (PMID: 18585512, 18926329). This variant has not been reported in the literature in individuals with LMNA-related disease. This variant is not present in population databases (ExAC no frequency).

Literature cited by the submitters: PubMed 18585512; PubMed 18926329.

NM_170707.4(LMNA):c.1580_1586del (p.Arg527fs)

Gene: LMNA (lamin A/C; plus strand). Cytogenetic location: 1q22.
Variant type: Deletion.
Coding change: c.1580_1586del on transcript NM_170707.4 (MANE Select); coding-DNA positions 1580 to 1586, 7 bases deleted (GTACGGC; older notation c.1580_1586delGTACGGC).
Protein change: p.Arg527fs; shifts the reading frame from arginine 527.
Molecular consequence: frameshift variant.
Genome position (GRCh38, 1-based): chr1:156,137,204-156,137,210, GTACGGC deleted; deleting any 7 consecutive bases within chr1:156,137,202-156,137,210 gives the same sequence; the c. name uses the placement nearest the transcript's 3' end. VCF-style (leftmost placement, unchanged base first): chr1-156137201-TGCGTACG-T. GRCh37 (hg19) VCF-style: chr1-156106992-TGCGTACG-T.
Other names: c.1580_1586del (NM_170707.3); c.1244_1250del, p.Arg415fs (NM_001257374.3); c.1337_1343del, p.Arg446fs (NM_001282624.2); c.1580_1586del, p.Arg527fs (NM_001282625.2, NM_001282626.2, NM_005572.4 and 1 more transcripts); short protein forms R415fs, R446fs, R527fs.
Identifiers: ClinVar variation 649493 (VCV000649493.8), dbSNP rs1572366593, ClinGen allele CA915941466.